The following is an entry in ClinVar:

ClinVar aggregate classification (germline): Uncertain significance (1 of 4 stars; one submission).

Conditions:
Hypertrophic cardiomyopathy. Also called: HYPERTROPHIC MYOCARDIOPATHY. Identifiers: Orphanet 217569, MedGen C0007194, MeSH D002312, MONDO:0005045, HP:0001639.

Submission:

Labcorp Genetics (formerly Invitae), Labcorp
Classification: Uncertain significance for Hypertrophic cardiomyopathy. Last evaluated: 2019-05-03. Review status: criteria provided, single submitter. Criteria: Invitae Variant Classification Sherloc (09022015). Collection method: clinical testing. Allele origin: germline.
Comment: Algorithms developed to predict the effect of missense changes on protein structure and function (SIFT, PolyPhen-2, Align-GVGD) all suggest that this variant is likely to be disruptive, but these predictions have not been confirmed by published functional studies and their clinical significance is uncertain. In summary, the available evidence is currently insufficient to determine the role of this variant in disease. Therefore, it has been classified as a Variant of Uncertain Significance. This variant has not been reported in the literature in individuals with MYBPC3-related conditions. This variant is not present in population databases (ExAC no frequency). This sequence change replaces serine with cysteine at codon 674 of the MYBPC3 protein (p.Ser674Cys). The serine residue is highly conserved and there is a moderate physicochemical difference between serine and cysteine.

NM_000256.3(MYBPC3):c.2021C>G (p.Ser674Cys)

Gene: MYBPC3 (myosin binding protein C3; minus strand). Cytogenetic location: 11p11.2.
Variant type: single nucleotide variant.
Coding change: c.2021C>G on transcript NM_000256.3 (MANE Select); coding-DNA position 2021, C replaced by G.
Protein change: p.Ser674Cys; replaces serine 674 with cysteine.
Molecular consequence: missense variant.
Genome position (GRCh38, 1-based): chr11:47,339,697, G>C on the plus strand (C>G on the coding strand, the complement: MYBPC3 is on the minus strand). VCF-style: chr11-47339697-G-C. GRCh37 (hg19) VCF-style: chr11-47361248-G-C.
Other names: short protein forms S674C.
Identifiers: ClinVar variation 843316 (VCV000843316.9), dbSNP rs2095886315, ClinGen allele CA380321542.